The following is an entry in ClinVar:

ClinVar aggregate classification (germline): Conflicting classifications of pathogenicity. Review status: criteria provided, conflicting classifications (1 of 4 stars). 10 submissions from 10 submitters: Uncertain significance (8); Likely benign (2). Last evaluated 2026-01-05.

Conditions:
Connective tissue disorder. Also called: Connective tissue disease. Identifiers: MedGen C0009782, MONDO:0003900.
Inborn genetic diseases. Identifiers: MedGen C0950123, MeSH D030342.
Cranioectodermal dysplasia 1 (CED1). Also called: LEVIN SYNDROME I. Identifiers: Orphanet 1515, MedGen C0432235, MONDO:0021093, OMIM 218330.

Allele frequency attached by ClinVar (database versions not stated): ESP Exome Variant Server 0.00054; gnomAD 0.00057 and 0.00060; TOPMed 0.00059; gnomAD exomes 0.00075 and 0.00081; ExAC 0.00081.
gnomAD v4.1: 1,212 of 1,613,388 alleles (0.075%); highest among the groups gnomAD compares: Middle Eastern, 0.41%; 1 homozygote.

Submissions (10):

Labcorp Genetics (formerly Invitae), Labcorp
Classification: Likely benign for Cranioectodermal dysplasia 1. Last evaluated: 2026-01-05. Review status: criteria provided, single submitter. Criteria: Invitae Variant Classification Sherloc (09022015). Collection method: clinical testing. Allele origin: germline.

Blueprint Genetics
Classification: Uncertain significance. Last evaluated: 2024-11-21. Review status: criteria provided, single submitter. Criteria: ACMG Guidelines, 2015. Collection method: clinical testing. Allele origin: germline.

CeGaT Center for Human Genetics Tuebingen
Classification: Uncertain significance. Last evaluated: 2024-08-01. Review status: criteria provided, single submitter. Criteria: CeGaT Center For Human Genetics Tuebingen Variant Classification Criteria Version 2. Collection method: clinical testing. Allele origin: germline. Affected: yes. Observed: 2 variant alleles.

Genomic Medicine Center of Excellence, King Faisal Specialist Hospital and Research Centre
Classification: Uncertain significance for Cranioectodermal dysplasia 1. Last evaluated: 2024-04-04. Review status: criteria provided, single submitter. Criteria: ACMG Guidelines, 2015. Collection method: clinical testing. Allele origin: germline.

GeneDx
Classification: Uncertain significance. Last evaluated: 2023-05-10. Review status: criteria provided, single submitter. Criteria: GeneDx Variant Classification Process June 2021. Collection method: clinical testing. Allele origin: germline. Affected: yes.
Comment: Has not been previously published as pathogenic or benign to our knowledge; In silico analysis supports that this missense variant has a deleterious effect on protein structure/function

Ambry Genetics
Classification: Uncertain significance for Inborn genetic diseases. Last evaluated: 2023-04-07. Review status: criteria provided, single submitter. Criteria: Ambry Variant Classification Scheme 2023. Collection method: clinical testing. Allele origin: germline.

Genome Diagnostics Laboratory, The Hospital for Sick Children
Classification: Likely benign for Connective tissue disorder. Last evaluated: 2022-06-20. Review status: criteria provided, single submitter. Criteria: ACMG Guidelines, 2015. Collection method: clinical testing. Allele origin: germline.

Illumina Laboratory Services, Illumina
Classification: Uncertain significance for Cranioectodermal dysplasia 1. Last evaluated: 2018-01-13. Review status: criteria provided, single submitter. Criteria: ICSL Variant Classification Criteria 13 December 2019. Collection method: clinical testing. Allele origin: germline.

Eurofins Ntd Llc (ga)
Classification: Uncertain significance. Last evaluated: 2015-10-02. Review status: criteria provided, single submitter. Criteria: EGL Classification Definitions 2015. Collection method: clinical testing. Allele origin: germline. Observed: 1 variant allele, 1 heterozygote.

Breakthrough Genomics
Classification: Uncertain significance. Review status: criteria provided, single submitter. Criteria: ACMG Guidelines, 2015. Collection method: not provided. Allele origin: germline. Inheritance: Autosomal recessive inheritance. Affected: yes.

NM_052989.3(IFT122):c.3487T>A (p.Phe1163Ile)

Gene: IFT122 (intraflagellar transport 122; plus strand). Cytogenetic location: 3q22.1.
Variant type: single nucleotide variant.
Coding change: c.3487T>A on transcript NM_052989.3 (MANE Select); coding-DNA position 3487, T replaced by A.
Protein change: p.Phe1163Ile; replaces phenylalanine 1163 with isoleucine.
Molecular consequence: missense variant.
Genome position (GRCh38, 1-based): chr3:129,519,583, T>A. VCF-style: chr3-129519583-T-A. GRCh37 (hg19) VCF-style: chr3-129238426-T-A.
Other names: c.3466T>A, p.Phe1156Ile (NM_001280541.2); c.3037T>A, p.Phe1013Ile (NM_001280545.2); c.2860T>A, p.Phe954Ile (NM_001280546.2); c.3310T>A, p.Phe1104Ile (NM_018262.4); c.3640T>A, p.Phe1214Ile (NM_052985.4); c.3157T>A, p.Phe1053Ile (NM_052990.3); c.3640T>A (NM_052985.2); short protein forms F1214I, F1053I, F1104I, F1156I, F1163I, F1013I, F954I.
Identifiers: ClinVar variation 283739 (VCV000283739.51), dbSNP rs200606803, ClinGen allele CA2606945.